The following is an entry in ClinVar:

ClinVar aggregate classification (germline): Uncertain significance (1 of 4 stars; one submission).

Submission:

Ambry Genetics
Classification: Uncertain significance. Last evaluated: 2024-09-02. Review status: criteria provided, single submitter. Criteria: Ambry Variant Classification Scheme 2023. Collection method: clinical testing. Allele origin: germline.
Comment: The p.S2101N variant (also known as c.6302G>A), located in coding exon 20 of the POLQ gene, results from a G to A substitution at nucleotide position 6302. The serine at codon 2101 is replaced by asparagine, an amino acid with highly similar properties. This amino acid position is conserved. In addition, this alteration is predicted to be tolerated by in silico analysis. Based on the available evidence, the clinical significance of this variant remains unclear.

NM_199420.4(POLQ):c.6302G>A (p.Ser2101Asn)

Gene: POLQ (DNA polymerase theta; minus strand). Cytogenetic location: 3q13.33.
Variant type: single nucleotide variant.
Coding change: c.6302G>A on transcript NM_199420.4 (MANE Select); coding-DNA position 6302, G replaced by A.
Protein change: p.Ser2101Asn; replaces serine 2101 with asparagine.
Molecular consequence: missense variant.
Genome position (GRCh38, 1-based): chr3:121,476,643, C>T on the plus strand (G>A on the coding strand, the complement: POLQ is on the minus strand). VCF-style: chr3-121476643-C-T. GRCh37 (hg19) VCF-style: chr3-121195490-C-T.
Other names: short protein forms S2101N.
Identifiers: ClinVar variation 3422528 (VCV003422528.1).
Genomic context (GRCh38, chr3:121,476,643, plus strand): 5'-GCTAGTTGATAGGCCTGGGTCTCAATTGCATCCAGCTTGGCTTGCATTATATGTTTCTGA[C>T]TTTCACATTCTGCAGTACTAAAGCCAATTCCATTTAGTTCTAGCAAGGCCAAGCAGTACT-3'
Protein context (NP_955452.3, residues 2091-2111): GIGFSTAECE[Ser2101Asn]QKHIMQAKLD